The following is an entry in ClinVar:

ClinVar aggregate classification (germline): Uncertain significance (1 of 4 stars; one submission).

gnomAD v4.1: 1 of 1,613,848 alleles (0.000062%); highest among the groups gnomAD compares: Non-Finnish European, 0.000085%; no homozygotes.

Submission:

CeGaT Center for Human Genetics Tuebingen
Classification: Uncertain significance. Last evaluated: 2026-06-01. Review status: criteria provided, single submitter. Criteria: CeGaT Center For Human Genetics Tuebingen Variant Classification Criteria Version 2. Collection method: clinical testing. Allele origin: germline. Affected: yes. Observed: 1 variant allele.
Comment: NSD1: PM2:Supporting

NM_022455.5(NSD1):c.316A>G (p.Arg106Gly)

Gene: NSD1 (nuclear receptor binding SET domain protein 1; plus strand). Cytogenetic location: 5q35.3.
Variant type: single nucleotide variant.
Coding change: c.316A>G on transcript NM_022455.5 (MANE Select); coding-DNA position 316, A replaced by G.
Protein change: p.Arg106Gly; replaces arginine 106 with glycine.
Molecular consequence: missense variant. On other transcripts: intron variant (7).
Genome position (GRCh38, 1-based): chr5:177,135,419, A>G. VCF-style: chr5-177135419-A-G. GRCh37 (hg19) VCF-style: chr5-176562420-A-G.
Other names: c.316A>G, p.Arg106Gly (NM_001409301.1, NM_001409302.1, NM_001409303.1 and 1 more transcripts); c.-37+219A>G (NM_001409305.1, NM_001409306.1, NM_001409308.1 and 4 more transcripts); short protein forms R106G.
Identifiers: ClinVar variation 4875448 (VCV004875448.2).
Genomic context (GRCh38, chr5:177,135,419, plus strand): 5'-TATTTAAATGGGTCTGCTGATGGATCAGAATCCTTTCAAGACCCTGAAAAAAGTGATTCA[A>G]GAGCTCAGACGCCAATTGTTTGCACTTCCTTGAGTCCTGGTGGTCCTACAGCACTTGCTA-3'
Protein context (NP_071900.2, residues 96-116): SFQDPEKSDS[Arg106Gly]AQTPIVCTSL